The following is an entry in ClinVar:

ClinVar aggregate classification (germline): Uncertain significance (1 of 4 stars; one submission).

gnomAD v4.1: 1 of 1,614,188 alleles (0.000062%); highest among the groups gnomAD compares: Non-Finnish European, 0.000085%; no homozygotes.

Submission:

CeGaT Center for Human Genetics Tuebingen
Classification: Uncertain significance. Last evaluated: 2025-07-01. Review status: criteria provided, single submitter. Criteria: CeGaT Center For Human Genetics Tuebingen Variant Classification Criteria Version 2. Collection method: clinical testing. Allele origin: germline. Affected: yes. Observed: 3 variant alleles.
Comment: TUB: PM2, PM4, PM3:Supporting

NM_177972.3(TUB):c.1521G>C (p.Ter507Tyr)

Genes: RIC3 (RIC3 acetylcholine receptor chaperone; minus strand), TUB (TUB bipartite transcription factor; plus strand). Cytogenetic location: 11p15.4.
Variant type: single nucleotide variant.
Coding change: c.1521G>C on transcript NM_177972.3 (MANE Select); coding-DNA position 1521, G replaced by C.
Protein change: p.Ter507Tyr.
Molecular consequence: stop lost. On other transcripts: intron variant (2).
Genome position (GRCh38, 1-based): chr11:8,101,619, G>C. VCF-style: chr11-8101619-G-C. GRCh37 (hg19) VCF-style: chr11-8123166-G-C.
Other names: c.1539G>C, p.Ter513Tyr (NM_001440538.1); c.1371G>C, p.Ter457Tyr (NM_001440540.1); c.1353G>C, p.Ter451Tyr (NM_001440541.1); c.1686G>C, p.Ter562Tyr (NM_003320.5); c.1405+622G>C (NM_001440539.1); c.1237+622G>C (NM_001440542.1).
Identifiers: ClinVar variation 4084871 (VCV004084871.8).
Genomic context (GRCh38, chr11:8,101,619, plus strand): 5'-TGCACTGCAGGCCTTTGCCATTGCCCTGTCCAGCTTCGACAGCAAGCTGGCGTGCGAGTA[G>C]AGGCCTCTTCGTGCCCTTTGGGGTTGCCCAGCCTGGAGCGGAGCTTGCCTGCCTGCCTGT-3'